The following is an entry in ClinVar:

ClinVar aggregate classification (germline): Conflicting classifications of pathogenicity. Review status: criteria provided, conflicting classifications (1 of 4 stars). 2 submissions from 2 submitters: Uncertain significance (1); Likely benign (1). Last evaluated 2024-07-24.

Conditions:
Hereditary cancer-predisposing syndrome. Also called: Neoplastic Syndromes, Hereditary; Tumor predisposition; Hereditary Cancer Syndrome; Hereditary neoplastic syndrome. Identifiers: Orphanet 140162, MedGen C0027672, MeSH D009386, MONDO:0015356.
Hereditary breast ovarian cancer syndrome. Also called: Hereditary breast and/or ovarian cancer syndrome; Hereditary breast and ovarian cancer syndrome; Breast and ovarian cancer; Hereditary breast and ovarian cancer; BRCA1- and BRCA2-Associated Hereditary Breast and Ovarian Cancer; Hereditary breast and ovarian cancer syndrome (HBOC). Identifiers: Orphanet 145, MedGen C0677776, MeSH D061325, MONDO:0003582. Disease mechanism: loss of function.

Allele frequency attached by ClinVar (database versions not stated): TOPMed below 0.00001.

Submissions (2):

Labcorp Genetics (formerly Invitae), Labcorp
Classification: Uncertain significance for Hereditary breast ovarian cancer syndrome. Last evaluated: 2024-07-24. Review status: criteria provided, single submitter. Criteria: Invitae Variant Classification Sherloc (09022015). Collection method: clinical testing. Allele origin: germline.
Comment: This sequence change replaces glycine, which is neutral and non-polar, with aspartic acid, which is acidic and polar, at codon 2441 of the BRCA2 protein (p.Gly2441Asp). This variant is not present in population databases (gnomAD no frequency). This variant has not been reported in the literature in individuals affected with BRCA2-related conditions. ClinVar contains an entry for this variant (Variation ID: 1758325). Advanced modeling of protein sequence and biophysical properties (such as structural, functional, and spatial information, amino acid conservation, physicochemical variation, residue mobility, and thermodynamic stability) performed at Invitae indicates that this missense variant is not expected to disrupt BRCA2 protein function with a negative predictive value of 95%. In summary, the available evidence is currently insufficient to determine the role of this variant in disease. Therefore, it has been classified as a Variant of Uncertain Significance.

Ambry Genetics
Classification: Likely benign for Hereditary cancer-predisposing syndrome. Last evaluated: 2024-01-24. Review status: criteria provided, single submitter. Criteria: Ambry Variant Classification Scheme 2023. Collection method: clinical testing. Allele origin: germline.

NM_000059.4(BRCA2):c.7322G>A (p.Gly2441Asp)

Gene: BRCA2 (BRCA2 DNA repair associated; plus strand). Cytogenetic location: 13q13.1.
Variant type: single nucleotide variant.
Coding change: c.7322G>A on transcript NM_000059.4 (MANE Select); coding-DNA position 7322, G replaced by A.
Protein change: p.Gly2441Asp; replaces glycine 2441 with aspartic acid.
Molecular consequence: missense variant.
Genome position (GRCh38, 1-based): chr13:32,355,175, G>A. VCF-style: chr13-32355175-G-A. GRCh37 (hg19) VCF-style: chr13-32929312-G-A.
Other names: c.7226G>A, p.Gly2409Asp (NM_001406719.1); c.7322G>A, p.Gly2441Asp (NM_001406720.1); c.2390G>A, p.Gly797Asp (NM_001406721.1); c.905G>A, p.Gly302Asp (NM_001406722.1); short protein forms G302D, G2409D, G797D, G2441D.
Identifiers: ClinVar variation 1758325 (VCV001758325.7), dbSNP rs80358958, ClinGen allele CA247468704.